The following is an entry in ClinVar:

ClinVar aggregate classification (germline): Uncertain significance (1 of 4 stars; one submission).

Submission:

GeneDx
Classification: Uncertain significance. Last evaluated: 2019-10-25. Review status: criteria provided, single submitter. Criteria: GeneDx Variant Classification Process June 2021. Collection method: clinical testing. Allele origin: germline. Affected: yes.
Comment: Not observed in large population cohorts (Lek et al., 2016); In-frame deletion of 1 amino acid in a non-repeat region; In silico analysis, which includes protein predictors and evolutionary conservation, supports a deleterious effect; Has not been previously published as pathogenic or benign to our knowledge

NM_052874.5(STX1B):c.245AGA[1] (p.Lys83del)

Gene: STX1B (syntaxin 1B; minus strand). Cytogenetic location: 16p11.2.
Variant type: Microsatellite.
Coding change: c.245AGA[1] on transcript NM_052874.5 (MANE Select); one copy of the 3-base unit AGA starting at c.245; the reference has two copies in a row; one copy, 3 bases deleted.
Protein change: p.Lys83del; deletes lysine 83.
Molecular consequence: inframe deletion.
Genome position (GRCh38, 1-based): chr16:31,000,958-31,000,960, TCT deleted on the plus strand (AGA on the coding strand, the reverse complement: STX1B is on the minus strand); deleting any 3 consecutive bases within chr16:31,000,958-31,000,964 gives the same sequence; the position shown is the placement nearest the transcript's 3' end. VCF-style (leftmost placement, unchanged base first): chr16-31000957-GTCT-G. GRCh37 (hg19) VCF-style: chr16-31012278-GTCT-G.
Other names: short protein forms K83del.
Identifiers: ClinVar variation 1309569 (VCV001309569.2), dbSNP rs2143677268, ClinGen allele CA2580613470.